The following is an entry in ClinVar:

ClinVar aggregate classification (germline): Uncertain significance. Review status: criteria provided, multiple submitters, no conflicts (2 of 4 stars). 2 submissions from 2 submitters: Uncertain significance (2). Last evaluated 2024-11-18.

Conditions:
Inborn genetic diseases. Identifiers: MedGen C0950123, MeSH D030342.
Baller-Gerold syndrome (BGS). Also called: CRANIOSYNOSTOSIS WITH RADIAL DEFECTS. Identifiers: Orphanet 1225, MedGen C0265308, MONDO:0009039, OMIM 218600.

Allele frequency attached by ClinVar (database versions not stated): TOPMed 0.00001.

Submissions (2):

Ambry Genetics
Classification: Uncertain significance for Inborn genetic diseases. Last evaluated: 2024-11-18. Review status: criteria provided, single submitter. Criteria: Ambry Variant Classification Scheme 2023. Collection method: clinical testing. Allele origin: germline.
Comment: The p.C945R variant (also known as c.2833T>C), located in coding exon 16 of the RECQL4 gene, results from a T to C substitution at nucleotide position 2833. The cysteine at codon 945 is replaced by arginine, an amino acid with highly dissimilar properties. This amino acid position is conserved. Based on the available evidence, the clinical significance of this variant remains unclear.

Labcorp Genetics (formerly Invitae), Labcorp
Classification: Uncertain significance for Baller-Gerold syndrome. Last evaluated: 2022-12-04. Review status: criteria provided, single submitter. Criteria: Invitae Variant Classification Sherloc (09022015). Collection method: clinical testing. Allele origin: germline.
Comment: Advanced modeling of protein sequence and biophysical properties (such as structural, functional, and spatial information, amino acid conservation, physicochemical variation, residue mobility, and thermodynamic stability) performed at Invitae indicates that this missense variant is expected to disrupt RECQL4 protein function. This variant has not been reported in the literature in individuals affected with RECQL4-related conditions. This variant is not present in population databases (gnomAD no frequency). In summary, the available evidence is currently insufficient to determine the role of this variant in disease. Therefore, it has been classified as a Variant of Uncertain Significance. This sequence change replaces cysteine, which is neutral and slightly polar, with arginine, which is basic and polar, at codon 945 of the RECQL4 protein (p.Cys945Arg).

NM_004260.4(RECQL4):c.2833T>C (p.Cys945Arg)

Gene: RECQL4 (RecQ like helicase 4; minus strand). Cytogenetic location: 8q24.3.
Variant type: single nucleotide variant.
Coding change: c.2833T>C on transcript NM_004260.4 (MANE Select); coding-DNA position 2833, T replaced by C.
Protein change: p.Cys945Arg; replaces cysteine 945 with arginine.
Molecular consequence: missense variant. On other transcripts: non-coding transcript variant (3).
Genome position (GRCh38, 1-based): chr8:144,512,694, A>G on the plus strand (T>C on the coding strand, the complement: RECQL4 is on the minus strand). VCF-style: chr8-144512694-A-G. GRCh37 (hg19) VCF-style: chr8-145738077-A-G.
Other names: c.2833T>C (NM_004260.3); c.1762T>C, p.Cys588Arg (NM_001413021.1, NM_001413022.1, NM_001413024.1 and 4 more transcripts); c.1837T>C, p.Cys613Arg (NM_001413023.1); c.2704T>C, p.Cys902Arg (NM_001413025.1); c.1696T>C, p.Cys566Arg (NM_001413027.1, NM_001413030.1, NM_001413032.1); c.2482T>C, p.Cys828Arg (NM_001413029.1); c.1564T>C, p.Cys522Arg (NM_001413031.1, NM_001413038.1); c.2701T>C, p.Cys901Arg (NM_001413033.1); and 10 more; short protein forms C522R, C591R, C613R, C588R, C847R, C913R, C970R, C456R.
Identifiers: ClinVar variation 2723980 (VCV002723980.4), dbSNP rs902724099, ClinGen allele CA187680855.
Genomic context (GRCh38, chr8:144,512,694, plus strand): 5'-GTGCTTACCTGTGGGCCAGGGCCTGGAGCTGGGCAGGGCCCCCAGGGCAGTTCAGACGGC[A>G]ATGGGTATAGGTGGTCGCCAGCAGCTCCAGCCAGTGGTGTGGGTGCAGCTCCAGGTAGCA-3'
Protein context (NP_004251.4, residues 935-955): LELLATTYTH[Cys945Arg]RLNCPGGPAQ